The following is an entry in ClinVar:

NM_022041.4(GAN):c.*237T>A

Gene: GAN (gigaxonin; plus strand). Cytogenetic location: 16q23.2.
Variant type: single nucleotide variant.
Coding change: c.*237T>A on transcript NM_022041.4 (MANE Select); 237 bases downstream of the stop codon, T replaced by A.
Molecular consequence: 3 prime UTR variant.
Genome position (GRCh38, 1-based): chr16:81,377,833, T>A. VCF-style: chr16-81377833-T-A. GRCh37 (hg19) VCF-style: chr16-81411438-T-A.
Other names: c.*237T>A (NM_001377486.1).
Identifiers: ClinVar variation 888379 (VCV000888379.6), dbSNP rs113064319, ClinGen allele CA14318764.

ClinVar aggregate classification (germline): Benign. Review status: criteria provided, multiple submitters, no conflicts (2 of 4 stars). 3 submissions from 3 submitters: Benign (3). Last evaluated 2018-07-07.

Conditions:
Giant axonal neuropathy 1 (GAN1). Also called: GIANT AXONAL NEUROPATHY 1, AUTOSOMAL RECESSIVE; GAN-Related Neurodegeneration. Identifiers: Orphanet 643, MedGen C1850386, MONDO:0009749, OMIM 256850.

Allele frequency attached by ClinVar (database versions not stated): gnomAD exomes 0.02517; TOPMed 0.05609; 1000 Genomes Project 0.06070; 1000 Genomes Project 30x 0.06324.
gnomAD v4.1: 19,123 of 574,916 alleles (3.3%); highest among the groups gnomAD compares: African/African-American, 14%; 678 homozygotes.

Submissions (3):

GeneDx
Classification: Benign. Last evaluated: 2018-07-07. Review status: criteria provided, single submitter. Criteria: GeneDx Variant Classification Process June 2021. Collection method: clinical testing. Allele origin: germline. Affected: yes.

Illumina Laboratory Services, Illumina
Classification: Benign for Giant axonal neuropathy 1. Last evaluated: 2018-01-13. Review status: criteria provided, single submitter. Criteria: ICSL Variant Classification Criteria 13 December 2019. Collection method: clinical testing. Allele origin: germline.
Comment: This variant was observed in the ICSL laboratory as part of a predisposition screen in an ostensibly healthy population. It had not been previously curated by ICSL or reported in the Human Gene Mutation Database (HGMD: prior to June 1st, 2018), and was therefore a candidate for classification through an automated scoring system. Utilizing variant allele frequency, disease prevalence and penetrance estimates, and inheritance mode, an automated score was calculated to assess if this variant is too frequent to cause the disease. Based on the score and internal cut-off values, a variant classified as benign is not then subjected to further curation. The score for this variant resulted in a classification of benign for this disease.

Breakthrough Genomics
Classification: Benign. Review status: criteria provided, single submitter. Criteria: ACMG Guidelines, 2015. Collection method: not provided. Allele origin: germline. Inheritance: Autosomal recessive inheritance. Affected: yes.